The following is an entry in ClinVar:

NM_032242.4(PLXNA1):c.1442A>C (p.Gln481Pro)

Gene: PLXNA1 (plexin A1; plus strand). Cytogenetic location: 3q21.3.
Variant type: single nucleotide variant.
Coding change: c.1442A>C on transcript NM_032242.4 (MANE Select); coding-DNA position 1442, A replaced by C.
Protein change: p.Gln481Pro; replaces glutamine 481 with proline.
Molecular consequence: missense variant.
Genome position (GRCh38, 1-based): chr3:127,003,394, A>C. VCF-style: chr3-127003394-A-C. GRCh37 (hg19) VCF-style: chr3-126722237-A-C.
Other names: short protein forms Q481P.
Identifiers: ClinVar variation 4885393 (VCV004885393.2).

ClinVar aggregate classification (germline): Uncertain significance (1 of 4 stars; one submission).

Submission:

Dasa
Classification: Uncertain significance. Last evaluated: 2026-04-20. Review status: criteria provided, single submitter. Criteria: DASA Assertion Criteria. Collection method: clinical testing. Allele origin: germline.
Comment: NM_032242.4(PLXNA1):c.1442A>C (p.Gln481Pro) is a missense variant that results in the substitution of glutamine with proline. This variant is rare in population databases. Computational prediction algorithms are consistent with a benign effect. The currently available literature and clinical evidence are not sufficient to establish a definitive association between this variant and the reported condition. Therefore, this variant is classified as a variant of uncertain significance.